The following is an entry in ClinVar:

NM_005422.4(TECTA):c.4061C>T (p.Thr1354Ile)

Genes: TBCEL-TECTA (TBCEL-TECTA readthrough; plus strand), TECTA (tectorin alpha; plus strand). Cytogenetic location: 11q23.3.
Variant type: single nucleotide variant.
Coding change: c.4061C>T on transcript NM_005422.4 (MANE Select); coding-DNA position 4061, C replaced by T.
Protein change: p.Thr1354Ile; replaces threonine 1354 with isoleucine.
Molecular consequence: missense variant.
Genome position (GRCh38, 1-based): chr11:121,146,072, C>T. VCF-style: chr11-121146072-C-T. GRCh37 (hg19) VCF-style: chr11-121016781-C-T.
Other names: c.5018C>T, p.Thr1673Ile (NM_001378761.1); short protein forms T1354I, T1673I.
Identifiers: ClinVar variation 429887 (VCV000429887.16), dbSNP rs148440178, ClinGen allele CA6327345.

ClinVar aggregate classification (germline): Conflicting classifications of pathogenicity. Review status: criteria provided, conflicting classifications (1 of 4 stars). 5 submissions from 4 submitters: Uncertain significance (1); Benign (1); Likely benign (3). Last evaluated 2025-01-10.

Conditions:
TECTA-related disorder. Also called: TECTA-related condition.
Autosomal recessive nonsyndromic hearing loss 21. Identifiers: Orphanet 90636, MedGen C1863655, MONDO:0011351, OMIM 603629.
Autosomal dominant nonsyndromic hearing loss 12. Also called: DEAFNESS, AUTOSOMAL DOMINANT 8. Identifiers: Orphanet 90635, MedGen C1832187, MONDO:0011102, OMIM 601543.

Allele frequency attached by ClinVar (database versions not stated): TOPMed 0.00010; gnomAD exomes 0.00017; ExAC 0.00022; 1000 Genomes Project 30x 0.00156; 1000 Genomes Project 0.00200.
gnomAD v4.1: 1,135 of 1,612,832 alleles (0.07%); highest among the groups gnomAD compares: East Asian, 2.5%; 33 homozygotes.

Submissions (5):

Labcorp Genetics (formerly Invitae), Labcorp
Classification: Likely benign. Last evaluated: 2025-01-10. Review status: criteria provided, single submitter. Criteria: Invitae Variant Classification Sherloc (09022015). Collection method: clinical testing. Allele origin: germline.

PreventionGenetics, part of Exact Sciences
Classification: Likely benign for TECTA-related condition. Last evaluated: 2024-11-11. Review status: criteria provided, single submitter. Criteria: ACMG Guidelines, 2015. Collection method: clinical testing. Allele origin: germline.
Comment: This variant is classified as likely benign based on ACMG/AMP sequence variant interpretation guidelines (Richards et al. 2015 PMID: 25741868, with internal and published modifications).

GeneDx
Classification: Likely benign. Last evaluated: 2019-12-18. Review status: criteria provided, single submitter. Criteria: GeneDx Variant Classification Process June 2021. Collection method: clinical testing. Allele origin: germline. Affected: yes.

Illumina Laboratory Services, Illumina
Classification: Uncertain significance for Autosomal recessive nonsyndromic hearing loss 21. Last evaluated: 2017-04-27. Review status: criteria provided, single submitter. Criteria: ICSL Variant Classification Criteria 13 December 2019. Collection method: clinical testing. Allele origin: germline.

Illumina Laboratory Services, Illumina
Classification: Benign for Autosomal dominant nonsyndromic hearing loss 12. Last evaluated: 2017-04-27. Review status: criteria provided, single submitter. Criteria: ICSL Variant Classification Criteria 13 December 2019. Collection method: clinical testing. Allele origin: germline.
Comment: This variant was observed as part of a predisposition screen in an ostensibly healthy population. A literature search was performed for the gene, cDNA change, and amino acid change (where applicable). No publications were found based on this search. Allele frequency data from public databases was too high to be consistent with this variant causing disease. Therefore, this variant is classified as benign.